The following is an entry in ClinVar:

NC_000002.11:g.(?_25383950)_(25523132_?)del

Genes: DNMT3A (DNA methyltransferase 3 alpha; minus strand), POMC (proopiomelanocortin; minus strand). Cytogenetic location: 2p23.3.
Variant type: Deletion.
Identifiers: ClinVar variation 2423537 (VCV002423537.4).

ClinVar aggregate classification (germline): Pathogenic. Review status: criteria provided, single submitter (1 of 4 stars). 2 submissions from 1 submitter: Pathogenic (1). 1 of the submissions does not count toward it. Last evaluated 2022-02-01.

Conditions:
Tatton-Brown-Rahman overgrowth syndrome. Also called: Tall stature-intellectual disability-facial dysmorphism syndrome; Tatton-Brown-Rahman syndrome. Identifiers: Orphanet 404443, MedGen C4014545, MONDO:0014382, OMIM 615879.

Submissions (2):

Labcorp Genetics (formerly Invitae), Labcorp
Classification: Pathogenic for Tatton-Brown-Rahman overgrowth syndrome. Last evaluated: 2022-02-01. Review status: criteria provided, single submitter. Criteria: Invitae Variant Classification Sherloc (09022015). Collection method: clinical testing. Allele origin: germline.
Comment: This variant is a gross deletion of the genomic region encompassing exon(s) 3-23 of the DNMT3A gene, which includes the termination codon. This deletion extends beyond the assayed region for this gene and therefore may encompass additional genes. While this deletion is not anticipated to lead to nonsense mediated decay, it is expected to alter mRNA translation or result in a truncated protein product. This variant has not been reported in the literature in individuals affected with DNMT3A-related conditions. This variant disrupts a region of the DNMT3A protein in which other variant(s) (p.Arg635Gln) have been determined to be pathogenic (PMID: 32435502; Invitae). This suggests that this is a clinically significant region of the protein, and that variants that disrupt it are likely to be disease-causing. For these reasons, this variant has been classified as Pathogenic.

Labcorp Genetics (formerly Invitae), Labcorp
Classification: Uncertain significance. Last evaluated: 2022-02-01. Review status: flagged submission. Criteria: Invitae Variant Classification Sherloc (09022015). Collection method: clinical testing. Allele origin: germline. Not counted in ClinVar's aggregate classification.
Comment: A gross deletion of the genomic region encompassing the full coding sequence of the POMC gene has been identified. The current clinical and genetic evidence is not sufficient to establish whether loss-of-function variants in POMC cause disease. The boundaries of this event are unknown as they extend beyond the assayed region for this gene and therefore may encompass additional genes. This variant has not been reported in the literature in individuals affected with POMC-related conditions. In summary, the available evidence is currently insufficient to determine the role of this variant in disease. Therefore, it has been classified as a Variant of Uncertain Significance.
ClinVar note: Reason: This record appears to be redundant with a more recent record from the same submitter.
ClinVar note: Notes: SCV003790952 appears to be redundant with SCV003796960.

Literature cited by the submitters: PubMed 32435502.